The following is an entry in ClinVar:

NM_020297.4(ABCC9):c.1680T>G (p.Tyr560Ter)

Gene: ABCC9 (ATP binding cassette subfamily C member 9; minus strand). Cytogenetic location: 12p12.1.
Variant type: single nucleotide variant.
Coding change: c.1680T>G on transcript NM_020297.4 (MANE Select); coding-DNA position 1680, T replaced by G.
Protein change: p.Tyr560Ter; replaces tyrosine 560 with a stop codon.
Molecular consequence: nonsense.
Genome position (GRCh38, 1-based): chr12:21,894,154, A>C on the plus strand (T>G on the coding strand, the complement: ABCC9 is on the minus strand). VCF-style: chr12-21894154-A-C. GRCh37 (hg19) VCF-style: chr12-22047088-A-C.
Other names: c.1680T>G, p.Tyr560Ter (NM_001377273.1, NM_005691.4); c.816T>G, p.Tyr272Ter (NM_001377274.1); c.1680T>G (NM_005691.2); short protein forms Y272*, Y560*.
Identifiers: ClinVar variation 928682 (VCV000928682.4), dbSNP rs1326389765, ClinGen allele CA384137392.
Genomic context (GRCh38, chr12:21,894,154, plus strand): 5'-GATATGGAAGAGAGACAGTGAAGCAAAGGCCTCTGCAGGTTTCAGATTGTTTCCACTGGC[A>C]TACGCATGGGTCACAAATGTCTGTGCAAAGAAAGGAGTTCTTTAGAGAAAGCTGGAAAAA-3'

ClinVar aggregate classification (germline): Conflicting classifications of pathogenicity. Review status: criteria provided, conflicting classifications (1 of 4 stars). 2 submissions from 2 submitters: Likely pathogenic (1); Uncertain significance (1). Last evaluated 2023-06-16.

Conditions:
Cardiomyopathy (CMYO). Also called: Cardiomyopathies. Identifiers: Orphanet 167848, MedGen C0878544, MONDO:0004994, HP:0001638. Inheritance: Various modes of inheritance.
Cardiovascular phenotype. Identifiers: MedGen CN230736.

Submissions (2):

Ambry Genetics
Classification: Uncertain significance for Cardiovascular phenotype. Last evaluated: 2023-06-16. Review status: criteria provided, single submitter. Criteria: Ambry Variant Classification Scheme 2023. Collection method: clinical testing. Allele origin: germline.
Comment: The p.Y560* variant (also known as c.1680T>G), located in coding exon 12 of the ABCC9 gene, results from a T to G substitution at nucleotide position 1680. This changes the amino acid from a tyrosine to a stop codon within coding exon 12. This alteration is expected to result in protein truncation or nonsense-mediated mRNA decay. However, loss of function of ABCC9 has not been established as a mechanism of disease. Since supporting evidence is limited at this time, the clinical significance of this alteration remains unclear.

Women's Health and Genetics/Laboratory Corporation of America, LabCorp
Classification: Likely pathogenic for Cardiomyopathy. Last evaluated: 2019-09-02. Review status: criteria provided, single submitter. Criteria: LabCorp Variant Classification Summary - May 2015. Collection method: clinical testing. Allele origin: germline.
Comment: Variant summary: ABCC9 c.1680T>G (p.Tyr560X) results in a premature termination codon, predicted to cause a truncation of the encoded protein or absence of the protein due to nonsense mediated decay, which are commonly known mechanisms for disease. Truncations downstream of this position have been classified as likely pathogenic by our laboratory. The variant was absent in 251212 control chromosomes. To our knowledge, no occurrence of c.1680T>G in individuals affected with Cardiomyopathy and no experimental evidence demonstrating its impact on protein function have been reported. No clinical diagnostic laboratories have submitted clinical-significance assessments for this variant to ClinVar after 2014. Based on the evidence outlined above, the variant was classified as likely pathogenic.